The following is an entry in ClinVar:

NM_000135.4(FANCA):c.1751T>G (p.Leu584Arg)

Gene: FANCA (FA complementation group A; minus strand). Cytogenetic location: 16q24.3.
Variant type: single nucleotide variant.
Coding change: c.1751T>G on transcript NM_000135.4 (MANE Select); coding-DNA position 1751, T replaced by G.
Protein change: p.Leu584Arg; replaces leucine 584 with arginine.
Molecular consequence: missense variant.
Genome position (GRCh38, 1-based): chr16:89,778,968, A>C on the plus strand (T>G on the coding strand, the complement: FANCA is on the minus strand). VCF-style: chr16-89778968-A-C. GRCh37 (hg19) VCF-style: chr16-89845376-A-C.
Other names: c.1751T>G, p.Leu584Arg (NM_001286167.3); short protein forms L584R.
Identifiers: ClinVar variation 4843036 (VCV004843036.1).

ClinVar aggregate classification (germline): Uncertain significance (1 of 4 stars; one submission).

Conditions:
Inborn genetic diseases. Identifiers: MedGen C0950123, MeSH D030342.

Submission:

Ambry Genetics
Classification: Uncertain significance for Inborn genetic diseases. Last evaluated: 2026-01-10. Review status: criteria provided, single submitter. Criteria: Ambry Variant Classification Scheme 2023. Collection method: clinical testing. Allele origin: germline.
Comment: The p.L584R variant (also known as c.1751T>G), located in coding exon 19 of the FANCA gene, results from a T to G substitution at nucleotide position 1751. The leucine at codon 584 is replaced by arginine, an amino acid with dissimilar properties. This amino acid position is conserved. In addition, this alteration is predicted to be deleterious by in silico analysis. Based on the available evidence, the clinical significance of this variant remains unclear.